The following is an entry in ClinVar:

NM_007294.4(BRCA1):c.895G>T (p.Val299Leu)

Gene: BRCA1 (BRCA1 DNA repair associated; minus strand). Cytogenetic location: 17q21.31.
Variant type: single nucleotide variant.
Coding change: c.895G>T on transcript NM_007294.4 (MANE Select); coding-DNA position 895, G replaced by T.
Protein change: p.Val299Leu; replaces valine 299 with leucine.
Molecular consequence: missense variant. On other transcripts: intron variant (137).
Genome position (GRCh38, 1-based): chr17:43,094,636, C>A on the plus strand (G>T on the coding strand, the complement: BRCA1 is on the minus strand). VCF-style: chr17-43094636-C-A. GRCh37 (hg19) VCF-style: chr17-41246653-C-A.
Other names: c.772G>T, p.Val258Leu (NM_001407669.1, NM_001407674.1, NM_001407675.1 and 19 more transcripts); c.769G>T, p.Val257Leu (NM_001407670.1, NM_001407671.1, NM_001407672.1 and 11 more transcripts); c.652+108G>T (NM_001408451.1); c.643+108G>T (NM_001408464.1, NM_001408470.1, NM_001408468.1 and 3 more transcripts); c.523+108G>T (NM_001408498.1, NM_001408501.1, NM_001408500.1 and 3 more transcripts); c.646+108G>T (NM_001408467.1, NM_001408459.1, NM_001408458.1 and 11 more transcripts); c.583+108G>T (NM_001408475.1); c.709+108G>T (NM_001408412.1, NM_001408409.1, NM_001408414.1 and 2 more transcripts); and 40 more; short protein forms V131L, V171L, V172L, V187L, V188L, V210L, V211L, V228L.
Identifiers: ClinVar variation 4856526 (VCV004856526.1).

ClinVar aggregate classification (germline): Benign (1 of 4 stars; one submission).

Conditions:
Breast-ovarian cancer, familial, susceptibility to, 1 (BROVCA1). Also called: OVARIAN CANCER, SUSCEPTIBILITY TO; BRCA1 Hereditary Breast and Ovarian Cancer. Identifiers: Orphanet 145, MedGen C2676676, MONDO:0011450, OMIM 604370. Disease mechanism: loss of function.

gnomAD v4.1: 1 of 1,614,160 alleles (0.000062%); highest among the groups gnomAD compares: South Asian, 0.0011%; no homozygotes.

Submission:

Cancer Bioinformatics and Tumour Evolution Laboratory, Monash University
Classification: Benign for Breast-ovarian cancer, familial, susceptibility to, 1. Last evaluated: 2026-05-01. Review status: criteria provided, single submitter. Criteria: ClinGen BRCA1 and BRCA2 Guidelines, 2024. Collection method: curation. Allele origin: germline. Inheritance: Autosomal dominant inheritance.
Comment: Missense variant outside of a functional domain with no splice impact. BRCA1 and BRCA2 VCEP guidelines recommend application of BP1_Strong (PMID: 39142283) PMID: 37578980 - HDR assay in HeLa cell line. All the changes in this position, including the variant were found to be functional. This qualifies the variant for BS3.

Literature cited by the submitters: PubMed 37578980.